The following is an entry in ClinVar:

NM_020191.4(MRPS22):c.248C>G (p.Thr83Arg)

Gene: MRPS22 (mitochondrial ribosomal protein S22; plus strand). Cytogenetic location: 3q23.
Variant type: single nucleotide variant.
Coding change: c.248C>G on transcript NM_020191.4 (MANE Select); coding-DNA position 248, C replaced by G.
Protein change: p.Thr83Arg; replaces threonine 83 with arginine.
Molecular consequence: missense variant.
Genome position (GRCh38, 1-based): chr3:139,346,953, C>G. VCF-style: chr3-139346953-C-G. GRCh37 (hg19) VCF-style: chr3-139065795-C-G.
Other names: c.248C>G (NM_020191.2); c.125C>G, p.Thr42Arg (NM_001363857.1); c.245C>G, p.Thr82Arg (NM_001363893.1); short protein forms T83R, T42R, T82R.
Identifiers: ClinVar variation 1472110 (VCV001472110.7), dbSNP rs1941049024, ClinGen allele CA354758526.

ClinVar aggregate classification (germline): Uncertain significance. Review status: criteria provided, multiple submitters, no conflicts (2 of 4 stars). 2 submissions from 2 submitters: Uncertain significance (2). Last evaluated 2023-10-02.

Conditions:
Inborn genetic diseases. Identifiers: MedGen C0950123, MeSH D030342.

Allele frequency attached by ClinVar (database versions not stated): gnomAD exomes 0.00001; gnomAD 0.00003; TOPMed 0.00005.
gnomAD v4.1: 8 of 1,614,042 alleles (0.0005%); highest among the groups gnomAD compares: Admixed American, 0.01%; 1 homozygote.

Submissions (2):

Ambry Genetics
Classification: Uncertain significance for Inborn genetic diseases. Last evaluated: 2023-10-02. Review status: criteria provided, single submitter. Criteria: Ambry Variant Classification Scheme 2023. Collection method: clinical testing. Allele origin: germline.

Labcorp Genetics (formerly Invitae), Labcorp
Classification: Uncertain significance. Last evaluated: 2021-12-02. Review status: criteria provided, single submitter. Criteria: Invitae Variant Classification Sherloc (09022015). Collection method: clinical testing. Allele origin: germline.
Comment: This sequence change replaces threonine, which is neutral and polar, with arginine, which is basic and polar, at codon 83 of the MRPS22 protein (p.Thr83Arg). This variant is not present in population databases (gnomAD no frequency). This variant has not been reported in the literature in individuals affected with MRPS22-related conditions. Algorithms developed to predict the effect of missense changes on protein structure and function are either unavailable or do not agree on the potential impact of this missense change (SIFT: "Deleterious"; PolyPhen-2: "Probably Damaging"; Align-GVGD: "Class C0"). In summary, the available evidence is currently insufficient to determine the role of this variant in disease. Therefore, it has been classified as a Variant of Uncertain Significance.